The following is an entry in ClinVar:

ClinVar aggregate classification (germline): Likely benign. Review status: criteria provided, single submitter (1 of 4 stars). 2 submissions from 2 submitters: Likely benign (1). 1 of the submissions does not count toward it. Last evaluated 2025-04-09.

Conditions:
RANGRF-related disorder. Also called: RANGRF-related condition.
Cardiac arrhythmia. Also called: Arrhythmia; Cardiac rhythm disease. Identifiers: MedGen C0003811, MONDO:0007263, HP:0011675.

Allele frequency attached by ClinVar (database versions not stated): 1000 Genomes Project 30x 0.00016; TOPMed 0.00002; gnomAD 0.00001; gnomAD exomes 0.00015 and 0.00029; 1000 Genomes Project 0.00020; ExAC 0.00037.
gnomAD v4.1: 220 of 1,614,122 alleles (0.014%); highest among the groups gnomAD compares: South Asian, 0.23%; 3 homozygotes.

Submissions (2):

Labcorp Genetics (formerly Invitae), Labcorp
Classification: Likely benign for Cardiac arrhythmia. Last evaluated: 2025-04-09. Review status: criteria provided, single submitter. Criteria: Invitae Variant Classification Sherloc (09022015). Collection method: clinical testing. Allele origin: germline.

PreventionGenetics, part of Exact Sciences
Classification: Likely benign for RANGRF-related condition. Last evaluated: 2022-05-25. Review status: no assertion criteria provided. Collection method: clinical testing. Allele origin: germline. Not counted in ClinVar's aggregate classification.
Comment: This variant is classified as likely benign based on ACMG/AMP sequence variant interpretation guidelines (Richards et al. 2015 PMID: 25741868, with internal and published modifications).

NM_016492.5(RANGRF):c.124G>T (p.Val42Leu)

Genes: RANGRF (RAN guanine nucleotide release factor; plus strand), SLC25A35 (solute carrier family 25 member 35; minus strand), LOC130060241 (ATAC-STARR-seq lymphoblastoid active region 11693; plus strand). Cytogenetic location: 17p13.1.
Variant type: single nucleotide variant.
Coding change: c.124G>T on transcript NM_016492.5 (MANE Select); coding-DNA position 124, G replaced by T.
Protein change: p.Val42Leu; replaces valine 42 with leucine.
Molecular consequence: missense variant. On other transcripts: 3 prime UTR variant (2), non-coding transcript variant (2), intron variant (1).
Genome position (GRCh38, 1-based): chr17:8,289,002, G>T. VCF-style: chr17-8289002-G-T. GRCh37 (hg19) VCF-style: chr17-8192320-G-T.
Other names: c.124G>T, p.Val42Leu (NM_001177801.2, NM_001177802.2, NM_001330127.2); c.*481C>A (NM_001320872.2); c.*614C>A (NM_201520.3); c.*43-570C>A (NM_001320871.2); short protein forms V42L.
Identifiers: ClinVar variation 1110143 (VCV001110143.12), dbSNP rs548428743, ClinGen allele CA8374322.